The following is an entry in ClinVar:

NM_001184.4(ATR):c.919G>T (p.Ala307Ser)

Gene: ATR (ATR checkpoint kinase; minus strand). Cytogenetic location: 3q23.
Variant type: single nucleotide variant.
Coding change: c.919G>T on transcript NM_001184.4 (MANE Select); coding-DNA position 919, G replaced by T.
Protein change: p.Ala307Ser; replaces alanine 307 with serine.
Molecular consequence: missense variant.
Genome position (GRCh38, 1-based): chr3:142,562,483, C>A on the plus strand (G>T on the coding strand, the complement: ATR is on the minus strand). VCF-style: chr3-142562483-C-A. GRCh37 (hg19) VCF-style: chr3-142281325-C-A.
Other names: c.919G>T, p.Ala307Ser (NM_001354579.2); short protein forms A307S.
Identifiers: ClinVar variation 4083264 (VCV004083264.1).
Genomic context (GRCh38, chr3:142,562,483, plus strand): 5'-CACAGAGTTTTTCCAGCAGCATATTTAAATAGACAGGTTCAATATTTCTATAAGCTTCTG[C>A]TTCAAAGGGAAATAGTGTCTTTATCAGCTTTGATAATGGCTCTTCATAGAGTTTCAATTG-3'
Protein context (NP_001175.2, residues 297-317): KLIKTLFPFE[Ala307Ser]EAYRNIEPVY

ClinVar aggregate classification (germline): Uncertain significance (1 of 4 stars; one submission).

Submission:

GeneDx
Classification: Uncertain significance. Last evaluated: 2025-03-13. Review status: criteria provided, single submitter. Criteria: GeneDx Variant Classification Process June 2021. Collection method: clinical testing. Allele origin: germline. Affected: yes.
Comment: Not observed at significant frequency in large population cohorts (gnomAD); In silico analysis indicates that this missense variant does not alter protein structure/function; Has not been previously published as pathogenic or benign to our knowledge